The following is an entry in ClinVar:

ClinVar aggregate classification (germline): Likely benign (1 of 4 stars; one submission).

gnomAD v4.1: 9 of 1,589,316 alleles (0.00057%); highest among the groups gnomAD compares: African/African-American, 0.004%; no homozygotes.

Submission:

CeGaT Center for Human Genetics Tuebingen
Classification: Likely benign. Last evaluated: 2025-05-01. Review status: criteria provided, single submitter. Criteria: CeGaT Center For Human Genetics Tuebingen Variant Classification Criteria Version 2. Collection method: clinical testing. Allele origin: germline. Affected: yes. Observed: 1 variant allele.
Comment: SORCS2: BP4, BP7

NM_020777.3(SORCS2):c.1200C>T (p.Phe400=)

Gene: SORCS2 (sortilin related VPS10 domain containing receptor 2; plus strand). Cytogenetic location: 4p16.1.
Variant type: single nucleotide variant.
Coding change: c.1200C>T on transcript NM_020777.3 (MANE Select); coding-DNA position 1200, C replaced by T.
Protein change: p.Phe400=; no amino-acid change (phenylalanine 400 retained).
Molecular consequence: synonymous variant.
Genome position (GRCh38, 1-based): chr4:7,676,088, C>T. VCF-style: chr4-7676088-C-T. GRCh37 (hg19) VCF-style: chr4-7677815-C-T.
Identifiers: ClinVar variation 3905463 (VCV003905463.10).
Genomic context (GRCh38, chr4:7,676,088, plus strand): 5'-TGCTCCCTGCACATCCCCACAGGATCTGCAGATCATCAGCACGGACGAGAGTCAGGTGTT[C>T]GTGGCGGTGCAGGAGTGGTACCAGATGGACACCTACAACCTGTACCAGTCGGACCCACGG-3'
Protein context (NP_065828.2, residues 390-410): QIISTDESQV[Phe400=]VAVQEWYQMD